The following is an entry in ClinVar:

ClinVar aggregate classification (germline): Likely benign (1 of 4 stars; one submission).

gnomAD v4.1: 7 of 1,614,012 alleles (0.00043%); highest among the groups gnomAD compares: African/African-American, 0.0013%; no homozygotes.

Submission:

CeGaT Center for Human Genetics Tuebingen
Classification: Likely benign. Last evaluated: 2025-07-01. Review status: criteria provided, single submitter. Criteria: CeGaT Center For Human Genetics Tuebingen Variant Classification Criteria Version 2. Collection method: clinical testing. Allele origin: germline. Affected: yes. Observed: 1 variant allele.
Comment: ASXL1: BP4, BP7

NM_015338.6(ASXL1):c.1617G>A (p.Lys539=)

Gene: ASXL1 (ASXL transcriptional regulator 1; plus strand). Cytogenetic location: 20q11.21.
Variant type: single nucleotide variant.
Coding change: c.1617G>A on transcript NM_015338.6 (MANE Select); coding-DNA position 1617, G replaced by A.
Protein change: p.Lys539=; no amino-acid change (lysine 539 retained).
Molecular consequence: synonymous variant.
Genome position (GRCh38, 1-based): chr20:32,433,815, G>A. VCF-style: chr20-32433815-G-A. GRCh37 (hg19) VCF-style: chr20-31021618-G-A.
Other names: c.1434G>A, p.Lys478= (NM_001363734.1).
Identifiers: ClinVar variation 4085502 (VCV004085502.8).